The following is an entry in ClinVar:

ClinVar aggregate classification (germline): Uncertain significance. Review status: criteria provided, multiple submitters, no conflicts (2 of 4 stars). 6 submissions from 6 submitters: Uncertain significance (6). Last evaluated 2026-10-08.

Conditions:
Inborn genetic diseases. Identifiers: MedGen C0950123, MeSH D030342.
YARS1-related disorder. Also called: YARS1-related condition.
Charcot-Marie-Tooth disease dominant intermediate C (CMTDIC). Also called: CHARCOT-MARIE-TOOTH NEUROPATHY, DOMINANT INTERMEDIATE C. Identifiers: Orphanet 100045, MedGen C1842237, MONDO:0012012, OMIM 608323.

Allele frequency attached by ClinVar (database versions not stated): TOPMed 0.00006.
gnomAD v4.1: 155 of 1,613,954 alleles (0.0096%); highest among the groups gnomAD compares: Non-Finnish European, 0.013%; no homozygotes.

Submissions (6):

GeneDx
Classification: Uncertain significance. Last evaluated: 2026-10-08. Review status: criteria provided, single submitter. Criteria: GeneDx Variant Classification Process June 2021. Collection method: clinical testing. Allele origin: germline.
Comment: In silico analysis suggests that this missense variant does not alter protein structure/function; Has not been previously published as pathogenic or benign to our knowledge; This variant is associated with the following publications: (PMID: 16429158)

Ambry Genetics
Classification: Uncertain significance for Inborn genetic diseases. Last evaluated: 2025-12-15. Review status: criteria provided, single submitter. Criteria: Ambry Variant Classification Scheme 2023. Collection method: clinical testing. Allele origin: germline.

Women's Health and Genetics/Laboratory Corporation of America, LabCorp
Classification: Uncertain significance. Last evaluated: 2025-06-09. Review status: criteria provided, single submitter. Criteria: LabCorp Variant Classification Summary - May 2015. Collection method: clinical testing. Allele origin: germline.
Comment: Variant summary: YARS1 c.1571G>C (p.Gly524Ala) results in a non-conservative amino acid change in the encoded protein sequence. Algorithms developed to predict the effect of missense changes on protein structure and function are either unavailable or do not agree on the potential impact of this missense change. The frequency of this variant in the general population could not be determined as the technology used for large population databases (ExAC, gnomAD, ESP, 1000G) cannot detect variants of this type. The available data on variant occurrences in the general population are insufficient to allow any conclusion about variant significance. To our knowledge, no occurrence of c.1571G>C in individuals affected with Neurologic, endocrine, and pancreatic disease, multisystem, infantile-onset 2 and no experimental evidence demonstrating its impact on protein function have been reported. ClinVar contains an entry for this variant (Variation ID: 220175). Based on the evidence outlined above, the variant was classified as uncertain significance.

PreventionGenetics, part of Exact Sciences
Classification: Uncertain significance for YARS1-related condition. Last evaluated: 2025-03-21. Review status: criteria provided, single submitter. Criteria: ACMG Guidelines, 2015. Collection method: clinical testing. Allele origin: germline.
Comment: The YARS1 c.1571G>C variant is predicted to result in the amino acid substitution p.Gly524Ala. To our knowledge, this variant has not been reported in the literature. This variant is reported in 0.0062% of alleles in individuals of European (Non-Finnish) descent in gnomAD. At this time, the clinical significance of this variant is uncertain due to the absence of conclusive functional and genetic evidence.

Labcorp Genetics (formerly Invitae), Labcorp
Classification: Uncertain significance for Charcot-Marie-Tooth disease dominant intermediate C. Last evaluated: 2025-01-23. Review status: criteria provided, single submitter. Criteria: Invitae Variant Classification Sherloc (09022015). Collection method: clinical testing. Allele origin: germline.
Comment: This sequence change replaces glycine, which is neutral and non-polar, with alanine, which is neutral and non-polar, at codon 524 of the YARS protein (p.Gly524Ala). This variant is present in population databases (rs201687117, gnomAD 0.006%). This variant has not been reported in the literature in individuals affected with YARS-related conditions. ClinVar contains an entry for this variant (Variation ID: 220175). Invitae Evidence Modeling of protein sequence and biophysical properties (such as structural, functional, and spatial information, amino acid conservation, physicochemical variation, residue mobility, and thermodynamic stability) indicates that this missense variant is not expected to disrupt YARS protein function with a negative predictive value of 80%. In summary, the available evidence is currently insufficient to determine the role of this variant in disease. Therefore, it has been classified as a Variant of Uncertain Significance.

Fulgent Genetics
Classification: Uncertain significance for Charcot-Marie-Tooth disease dominant intermediate C. Last evaluated: 2018-10-31. Review status: criteria provided, single submitter. Criteria: ACMG Guidelines, 2015. Collection method: clinical testing. Allele origin: unknown.

NM_003680.4(YARS1):c.1571G>C (p.Gly524Ala)

Gene: YARS1 (tyrosyl-tRNA synthetase 1; minus strand). Cytogenetic location: 1p35.1.
Variant type: single nucleotide variant.
Coding change: c.1571G>C on transcript NM_003680.4 (MANE Select); coding-DNA position 1571, G replaced by C.
Protein change: p.Gly524Ala; replaces glycine 524 with alanine.
Molecular consequence: missense variant.
Genome position (GRCh38, 1-based): chr1:32,775,997, C>G on the plus strand (G>C on the coding strand, the complement: YARS1 is on the minus strand). VCF-style: chr1-32775997-C-G. GRCh37 (hg19) VCF-style: chr1-33241598-C-G.
Other names: short protein forms G524A.
Identifiers: ClinVar variation 220175 (VCV000220175.18), dbSNP rs201687117, ClinGen allele CA348179.